The following is an entry in ClinVar:

NM_004766.3(COPB2):c.2248C>T (p.Arg750Trp)

Gene: COPB2 (coat protein complex I subunit beta 2; minus strand). Cytogenetic location: 3q23.
Variant type: single nucleotide variant.
Coding change: c.2248C>T on transcript NM_004766.3 (MANE Select); coding-DNA position 2248, C replaced by T.
Protein change: p.Arg750Trp; replaces arginine 750 with tryptophan.
Molecular consequence: missense variant. On other transcripts: non-coding transcript variant (1).
Genome position (GRCh38, 1-based): chr3:139,359,325, G>A on the plus strand (C>T on the coding strand, the complement: COPB2 is on the minus strand). VCF-style: chr3-139359325-G-A. GRCh37 (hg19) VCF-style: chr3-139078167-G-A.
Other names: c.2161C>T, p.Arg721Trp (NM_001410834.1); short protein forms R750W, R721W.
Identifiers: ClinVar variation 1911067 (VCV001911067.5), dbSNP rs773210109, ClinGen allele CA2641114.

ClinVar aggregate classification (germline): Uncertain significance (1 of 4 stars; one submission).

Allele frequency attached by ClinVar (database versions not stated): ExAC 0.00001.
gnomAD v4.1: 10 of 1,614,150 alleles (0.00062%); highest among the groups gnomAD compares: Non-Finnish European, 0.00076%; no homozygotes.

Submission:

Labcorp Genetics (formerly Invitae), Labcorp
Classification: Uncertain significance. Last evaluated: 2023-08-30. Review status: criteria provided, single submitter. Criteria: Invitae Variant Classification Sherloc (09022015). Collection method: clinical testing. Allele origin: germline.
Comment: In summary, the available evidence is currently insufficient to determine the role of this variant in disease. Therefore, it has been classified as a Variant of Uncertain Significance. An algorithm developed to predict the effect of missense changes on protein structure and function (PolyPhen-2) suggests that this variant is likely to be disruptive. ClinVar contains an entry for this variant (Variation ID: 1911067). This variant has not been reported in the literature in individuals affected with COPB2-related conditions. This variant is present in population databases (rs773210109, gnomAD 0.01%). This sequence change replaces arginine, which is basic and polar, with tryptophan, which is neutral and slightly polar, at codon 750 of the COPB2 protein (p.Arg750Trp).